The following is an entry in ClinVar:

NM_001024845.3(SLC6A9):c.832C>T (p.Gln278Ter)

Gene: SLC6A9 (solute carrier family 6 member 9; minus strand). Cytogenetic location: 1p34.1.
Variant type: single nucleotide variant.
Coding change: c.832C>T on transcript NM_001024845.3 (MANE Select); coding-DNA position 832, C replaced by T.
Protein change: p.Gln278Ter; replaces glutamine 278 with a stop codon.
Molecular consequence: nonsense. On other transcripts: non-coding transcript variant (1).
Genome position (GRCh38, 1-based): chr1:44,002,538, G>A on the plus strand (C>T on the coding strand, the complement: SLC6A9 is on the minus strand). VCF-style: chr1-44002538-G-A. GRCh37 (hg19) VCF-style: chr1-44468210-G-A.
Other names: c.844C>T, p.Gln282Ter (NM_001261380.2); c.499C>T, p.Gln167Ter (NM_001328626.2, NM_001328630.2); c.769C>T, p.Gln257Ter (NM_001328627.1); c.637C>T, p.Gln213Ter (NM_001328628.1); c.832C>T, p.Gln278Ter (NM_001328629.1); c.889C>T, p.Gln297Ter (NM_006934.4); c.1051C>T, p.Gln351Ter (NM_201649.4); short protein forms Q351*, Q278*, Q282*, Q213*, Q257*, Q297*, Q167*.
Identifiers: ClinVar variation 568191 (VCV000568191.3), dbSNP rs201437896, ClinGen allele CA21713011.

ClinVar aggregate classification (germline): Pathogenic/Likely pathogenic. Review status: criteria provided, multiple submitters, no conflicts (2 of 4 stars). 2 submissions from 2 submitters: Pathogenic (1); Likely pathogenic (1). Last evaluated 2023-07-17.

Conditions:
Atypical glycine encephalopathy. Also called: Glycine encephalopathy with normal serum glycine. Identifiers: Orphanet 289863, MedGen C4310943, MONDO:0015010, OMIM 617301.

Allele frequency attached by ClinVar (database versions not stated): gnomAD exomes below 0.00001 and 0.00002.
gnomAD v4.1: 29 of 1,614,132 alleles (0.0018%); highest among the groups gnomAD compares: African/African-American, 0.0027%; no homozygotes.

Submissions (2):

Department of Pathology and Laboratory Medicine, Sinai Health System
Classification: Likely pathogenic for Atypical glycine encephalopathy. Last evaluated: 2023-07-17. Review status: criteria provided, single submitter. Criteria: ACMG Guidelines, 2015. Collection method: research. Allele origin: germline.

Labcorp Genetics (formerly Invitae), Labcorp
Classification: Pathogenic for Atypical glycine encephalopathy. Last evaluated: 2017-08-16. Review status: criteria provided, single submitter. Criteria: Invitae Variant Classification Sherloc (09022015). Collection method: clinical testing. Allele origin: germline.
Comment: This sequence change creates a premature translational stop signal (p.Gln351*) in the SLC6A9 gene. It is expected to result in an absent or disrupted protein product. This variant is not present in population databases (ExAC no frequency). This variant has not been reported in the literature in individuals with SLC6A9-related disease. Loss-of-function variants in SLC6A9 are known to be pathogenic (PMID: 27773429). For these reasons, this variant has been classified as Pathogenic.

Literature cited by the submitters: PubMed 27773429 (cited by Labcorp Genetics (formerly Invitae), Labcorp).